The following is an entry in ClinVar:

NM_000530.8(MPZ):c.454A>G (p.Thr152Ala)

Gene: MPZ (myelin protein zero; minus strand). Cytogenetic location: 1q23.3.
Variant type: single nucleotide variant.
Coding change: c.454A>G on transcript NM_000530.8 (MANE Select); coding-DNA position 454, A replaced by G.
Protein change: p.Thr152Ala; replaces threonine 152 with alanine.
Molecular consequence: missense variant.
Genome position (GRCh38, 1-based): chr1:161,306,459, T>C on the plus strand (A>G on the coding strand, the complement: MPZ is on the minus strand). VCF-style: chr1-161306459-T-C. GRCh37 (hg19) VCF-style: chr1-161276249-T-C.
Other names: c.454A>G, p.Thr152Ala (NM_001315491.2); c.454A>G (NM_000530.7, LRG_256t1); short protein forms T152A.
Identifiers: ClinVar variation 570626 (VCV000570626.20), dbSNP rs764402416, ClinGen allele CA1210156.

ClinVar aggregate classification (germline): Conflicting classifications of pathogenicity. Review status: criteria provided, conflicting classifications (1 of 4 stars). 5 submissions from 5 submitters: Uncertain significance (3); Likely benign (2). Last evaluated 2025-11-04.

Conditions:
MPZ-related disorder. Also called: MPZ-related condition; MPZ-related disorders.
Inborn genetic diseases. Identifiers: MedGen C0950123, MeSH D030342.
Charcot-Marie-Tooth disease, type I (CMT1). Also called: Charcot-Marie-Tooth, Type 1; Charcot-Marie-Tooth disease type 1. Identifiers: Orphanet 65753, MedGen C0751036, MONDO:0019011.

Allele frequency attached by ClinVar (database versions not stated): gnomAD 0.00003 and 0.00004; gnomAD exomes 0.00004 and 0.00007; ExAC 0.00007; TOPMed 0.00007.
gnomAD v4.1: 72 of 1,614,052 alleles (0.0045%); highest among the groups gnomAD compares: Admixed American, 0.0067%; no homozygotes.

Submissions (5):

Labcorp Genetics (formerly Invitae), Labcorp
Classification: Likely benign for Charcot-Marie-Tooth disease, type I. Last evaluated: 2025-11-04. Review status: criteria provided, single submitter. Criteria: Invitae Variant Classification Sherloc (09022015). Collection method: clinical testing. Allele origin: germline.

Women's Health and Genetics/Laboratory Corporation of America, LabCorp
Classification: Uncertain significance. Last evaluated: 2025-11-04. Review status: criteria provided, single submitter. Criteria: LabCorp Variant Classification Summary - May 2015. Collection method: clinical testing. Allele origin: germline.
Comment: Variant summary: MPZ c.454A>G (p.Thr152Ala) results in a non-conservative amino acid change in the encoded protein sequence. Algorithms developed to predict the effect of missense changes on protein structure and function are either unavailable or do not agree on the potential impact of this missense change. The variant allele was found at a frequency of 6.8e-05 in 249894 control chromosomes, predominantly at a frequency of 0.00014 within the Latino subpopulation in the gnomAD database. The available data on variant occurrences in the general population are insufficient to allow any conclusion about variant significance. To our knowledge, no occurrence of c.454A>G in individuals affected with MPZ-related conditions and no experimental evidence demonstrating its impact on protein function have been reported. ClinVar contains an entry for this variant (Variation ID: 570626). Based on the evidence outlined above, the variant was classified as uncertain significance.

CeGaT Center for Human Genetics Tuebingen
Classification: Uncertain significance. Last evaluated: 2025-08-01. Review status: criteria provided, single submitter. Criteria: CeGaT Center For Human Genetics Tuebingen Variant Classification Criteria Version 2. Collection method: clinical testing. Allele origin: germline. Affected: yes. Observed: 1 variant allele.

PreventionGenetics, part of Exact Sciences
Classification: Uncertain significance for MPZ-related condition. Last evaluated: 2025-07-04. Review status: criteria provided, single submitter. Criteria: ACMG Guidelines, 2015. Collection method: clinical testing. Allele origin: germline.
Comment: The MPZ c.454A>G variant is predicted to result in the amino acid substitution p.Thr152Ala. To our knowledge, this variant has not been reported in the literature. This variant is reported in 0.014% of alleles in individuals of Latino descent in gnomAD. At this time, the clinical significance of this variant is uncertain due to the absence of conclusive functional and genetic evidence.

Ambry Genetics
Classification: Likely benign for Inborn genetic diseases. Last evaluated: 2021-09-30. Review status: criteria provided, single submitter. Criteria: Ambry Variant Classification Scheme 2023. Collection method: clinical testing. Allele origin: germline.